The following is an entry in ClinVar:

ClinVar aggregate classification (germline): Uncertain significance (1 of 4 stars; one submission).

Conditions:
Infantile-onset ascending hereditary spastic paralysis (IAHSP). Also called: Infantile-Onset Ascending Hereditary Spastic Paralysis (IAHSP); Autosomal Recessive Juvenile Amyotrophic Lateral Sclerosis. Identifiers: Orphanet 293168, MedGen C2931441, MONDO:0011797, OMIM 607225. Disease mechanism: loss of function.

Allele frequency attached by ClinVar (database versions not stated): gnomAD exomes below 0.00001; gnomAD 0.00003; TOPMed 0.00005.
gnomAD v4.1: 7 of 1,613,978 alleles (0.00043%); highest among the groups gnomAD compares: Admixed American, 0.0017%; no homozygotes.

Submission:

Labcorp Genetics (formerly Invitae), Labcorp
Classification: Uncertain significance for Infantile-onset ascending hereditary spastic paralysis. Last evaluated: 2022-06-16. Review status: criteria provided, single submitter. Criteria: Invitae Variant Classification Sherloc (09022015). Collection method: clinical testing. Allele origin: germline.
Comment: In summary, the available evidence is currently insufficient to determine the role of this variant in disease. Therefore, it has been classified as a Variant of Uncertain Significance. Algorithms developed to predict the effect of missense changes on protein structure and function are either unavailable or do not agree on the potential impact of this missense change (SIFT: "Deleterious"; PolyPhen-2: "Possibly Damaging"; Align-GVGD: "Class C15"). This variant has not been reported in the literature in individuals affected with ALS2-related conditions. This variant is present in population databases (no rsID available, gnomAD 0.01%). This sequence change replaces asparagine, which is neutral and polar, with tyrosine, which is neutral and polar, at codon 1091 of the ALS2 protein (p.Asn1091Tyr).

NM_020919.4(ALS2):c.3271A>T (p.Asn1091Tyr)

Gene: ALS2 (alsin Rho guanine nucleotide exchange factor ALS2; minus strand). Cytogenetic location: 2q33.1.
Variant type: single nucleotide variant.
Coding change: c.3271A>T on transcript NM_020919.4 (MANE Select); coding-DNA position 3271, A replaced by T.
Protein change: p.Asn1091Tyr; replaces asparagine 1091 with tyrosine.
Molecular consequence: missense variant.
Genome position (GRCh38, 1-based): chr2:201,725,432, T>A on the plus strand (A>T on the coding strand, the complement: ALS2 is on the minus strand). VCF-style: chr2-201725432-T-A. GRCh37 (hg19) VCF-style: chr2-202590155-T-A.
Other names: c.3271A>T, p.Asn1091Tyr (NM_001410975.1); short protein forms N1091Y.
Identifiers: ClinVar variation 2063938 (VCV002063938.4), dbSNP rs999167218, ClinGen allele CA63939308.